The following is an entry in ClinVar:

NM_197968.4(ZMYM2):c.2189_2191del (p.Cys730del)

Gene: ZMYM2 (zinc finger MYM-type containing 2; plus strand). Cytogenetic location: 13q12.11.
Variant type: Deletion.
Coding change: c.2189_2191del on transcript NM_197968.4 (MANE Select); coding-DNA positions 2189 to 2191, 3 bases deleted (GTT; older notation c.2189_2191delGTT).
Protein change: p.Cys730del; deletes cysteine 730.
Molecular consequence: inframe deletion. On other transcripts: non-coding transcript variant (1).
Genome position (GRCh38, 1-based): chr13:20,036,806-20,036,808, GTT deleted; deleting any 3 consecutive bases within chr13:20,036,804-20,036,808 gives the same sequence; the c. name uses the placement nearest the transcript's 3' end. VCF-style (leftmost placement, unchanged base first): chr13-20036803-ATTG-A. GRCh37 (hg19) VCF-style: chr13-20610943-ATTG-A.
Other names: c.2189_2191del, p.Cys730del (NM_001190964.4, NM_001190965.4, NM_001353157.2 and 5 more transcripts); c.1994_1996del, p.Cys665del (NM_001353161.3); c.1928_1930del, p.Cys643del (NM_001353163.2); short protein forms C665del, C643del, C730del.
Identifiers: ClinVar variation 5005232 (VCV005005232.2).

ClinVar aggregate classification (germline): Uncertain significance (1 of 4 stars; one submission).

Conditions:
Neurodevelopmental-craniofacial syndrome with variable renal and cardiac abnormalities. Identifiers: MedGen C5561984, MONDO:0859190, OMIM 619522.

Submission:

Juno Genomics, Hangzhou Juno Genomics, Inc
Classification: Uncertain significance for Neurodevelopmental-craniofacial syndrome with variable renal and cardiac abnormalities. Review status: criteria provided, single submitter. Criteria: ACMG Guidelines, 2015. Collection method: clinical testing. Allele origin: germline.
Comment: Absent from controls (or at extremely low frequency if recessive) in Genome Aggregation Database.;Protein length changes due to in-frame deletions/insertions in a non-repeat region or stop-loss variants.